The following is an entry in ClinVar:

NM_006218.4(PIK3CA):c.1302C>G (p.Asp434Glu)

Gene: PIK3CA (phosphatidylinositol-4,5-bisphosphate 3-kinase catalytic subunit alpha; plus strand). Cytogenetic location: 3q26.32.
Variant type: single nucleotide variant.
Coding change: c.1302C>G on transcript NM_006218.4 (MANE Select); coding-DNA position 1302, C replaced by G.
Protein change: p.Asp434Glu; replaces aspartic acid 434 with glutamic acid.
Molecular consequence: missense variant.
Genome position (GRCh38, 1-based): chr3:179,210,236, C>G. VCF-style: chr3-179210236-C-G. GRCh37 (hg19) VCF-style: chr3-178928024-C-G.
Other names: short protein forms D434E.
Identifiers: ClinVar variation 4627626 (VCV004627626.1).
Genomic context (GRCh38, chr3:179,210,236, plus strand): 5'-GTTTTTTAAGGAACACTGTCCATTGGCATGGGGAAATATAAACTTGTTTGATTACACAGA[C>G]ACTCTAGTATCTGGAAAAATGGCTTTGAATCTTTGGCCAGTACCTCATGGATTAGAAGAT-3'
Protein context (NP_006209.2, residues 424-444): WGNINLFDYT[Asp434Glu]TLVSGKMALN

ClinVar aggregate classification (germline): Uncertain significance (1 of 4 stars; one submission).

Conditions:
Inborn genetic diseases. Identifiers: MedGen C0950123, MeSH D030342.

gnomAD v4.1: 2 of 1,590,712 alleles (0.00013%); highest among the groups gnomAD compares: Non-Finnish European, 0.00017%; no homozygotes.

Submission:

Ambry Genetics
Classification: Uncertain significance for Inborn genetic diseases. Last evaluated: 2025-10-26. Review status: criteria provided, single submitter. Criteria: Ambry Variant Classification Scheme 2023. Collection method: clinical testing. Allele origin: germline.
Comment: The p.D434E variant (also known as c.1302C>G), located in coding exon 7 of the PIK3CA gene, results from a C to G substitution at nucleotide position 1302. The aspartic acid at codon 434 is replaced by glutamic acid, an amino acid with highly similar properties. This amino acid position is conserved. In addition, this alteration is predicted to be tolerated by in silico analysis. Based on the available evidence, the clinical significance of this variant remains unclear.